The following is an entry in ClinVar:

NM_031433.4(MFRP):c.347C>A (p.Thr116Asn)

Genes: C1QTNF5 (C1q and TNF related 5; minus strand), MFRP (membrane frizzled-related protein; minus strand). Cytogenetic location: 11q23.3.
Variant type: single nucleotide variant.
Coding change: c.347C>A on transcript NM_031433.4 (MANE Select); coding-DNA position 347, C replaced by A.
Protein change: p.Thr116Asn; replaces threonine 116 with asparagine.
Molecular consequence: missense variant. On other transcripts: 5 prime UTR variant (1).
Genome position (GRCh38, 1-based): chr11:119,345,853, G>T on the plus strand (C>A on the coding strand, the complement: MFRP is on the minus strand). VCF-style: chr11-119345853-G-T. GRCh37 (hg19) VCF-style: chr11-119216563-G-T.
Other names: c.-2290C>A (NM_015645.5); short protein forms T116N.
Identifiers: ClinVar variation 943577 (VCV000943577.7), dbSNP rs1299599168, ClinGen allele CA382978920.
Genomic context (GRCh38, chr11:119,345,853, plus strand): 5'-ACGCCTGACTCCTGCTGCCCTTTAGGGGTCCCAGCTGCCTGAGAGGTGGTGATGGTGGGG[G>T]TGGTGGTGGTCGTGGTAAGGCCTCCGGCAGGCAGTGGGCTATGGGACGCCCCAGATGGGG-3'
Protein context (NP_113621.1, residues 106-126): PAGGLTTTTT[Thr116Asn]PTITTSQAAG

ClinVar aggregate classification (germline): Uncertain significance (1 of 4 stars; one submission).

Conditions:
Isolated microphthalmia 5. Also called: Posterior Microphthalmia with Retinitis Pigmentosa, Foveoschisis, and Optic Disc Drusen. Identifiers: Orphanet 251279, MedGen C1970236, MONDO:0012605, OMIM 611040.

gnomAD v4.1: 3 of 1,613,834 alleles (0.00019%); highest among the groups gnomAD compares: Non-Finnish European, 0.00017%; no homozygotes.

Submission:

Labcorp Genetics (formerly Invitae), Labcorp
Classification: Uncertain significance for Isolated microphthalmia 5. Last evaluated: 2021-08-27. Review status: criteria provided, single submitter. Criteria: Invitae Variant Classification Sherloc (09022015). Collection method: clinical testing. Allele origin: germline.
Comment: This sequence change replaces threonine with asparagine at codon 116 of the MFRP protein (p.Thr116Asn). The threonine residue is weakly conserved and there is a small physicochemical difference between threonine and asparagine. This variant is not present in population databases (ExAC no frequency). This variant has not been reported in the literature in individuals affected with MFRP-related conditions. Algorithms developed to predict the effect of missense changes on protein structure and function are either unavailable or do not agree on the potential impact of this missense change (SIFT: "Deleterious"; PolyPhen-2: "Benign"; Align-GVGD: "Class C0"). In summary, the available evidence is currently insufficient to determine the role of this variant in disease. Therefore, it has been classified as a Variant of Uncertain Significance.